The following is an entry in ClinVar:

NM_000090.4(COL3A1):c.3070C>T (p.Arg1024Ter)

Gene: COL3A1 (collagen type III alpha 1 chain; plus strand). Cytogenetic location: 2q32.2.
Variant type: single nucleotide variant.
Coding change: c.3070C>T on transcript NM_000090.4 (MANE Select); coding-DNA position 3070, C replaced by T.
Protein change: p.Arg1024Ter; replaces arginine 1024 with a stop codon.
Molecular consequence: nonsense.
Genome position (GRCh38, 1-based): chr2:189,006,236, C>T. VCF-style: chr2-189006236-C-T. GRCh37 (hg19) VCF-style: chr2-189870962-C-T.
Other names: NP_000081.1:p.Arg1024*; short protein forms R1024*.
Identifiers: ClinVar variation 101174 (VCV000101174.18), dbSNP rs587779479, ClinGen allele CA006006.
Genomic context (GRCh38, chr2:189,006,236, plus strand): 5'-ATTTTATTTCCTTTCTCATTTTTTAATCAGGGAAACCCTGGATCAGATGGTCTTCCAGGC[C>T]GAGATGGATCTCCTGGTGGCAAGGTATAATAAACACATGTGCAATTGATTTGTGTTATCA-3'

ClinVar aggregate classification (germline): Pathogenic/Likely pathogenic. Review status: criteria provided, multiple submitters, no conflicts (2 of 4 stars). 5 submissions from 5 submitters: Pathogenic (3); Likely pathogenic (1). 1 of the submissions does not count toward it. Last evaluated 2026-01-13.

Conditions:
Familial thoracic aortic aneurysm and aortic dissection (TAAD). Also called: Thoracic aortic aneurysms and dissections. Identifiers: Orphanet 91387, MedGen C4707243, MONDO:0019625.
Ehlers-Danlos syndrome, type 4 (EDSVASC). Also called: Ehlers-Danlos syndrome vascular type; Ehlers Danlos syndrome, ecchymotic type; Ehlers Danlos syndrome, arterial type; Ehlers Danlos syndrome, Sack-Barabas type; Ehlers-Danlos Syndrome Type IV. Identifiers: Orphanet 286, MedGen C0268338, MONDO:0017314, OMIM 130050.

Submissions (5):

GeneDx
Classification: Likely pathogenic. Last evaluated: 2026-01-13. Review status: criteria provided, single submitter. Criteria: GeneDx Variant Classification Process June 2021. Collection method: clinical testing. Allele origin: germline.
Comment: Nonsense variant predicted to result in protein truncation or nonsense mediated decay in a gene for which loss of function is a known mechanism of disease; Not observed at significant frequency in large population cohorts (gnomAD); This variant is associated with the following publications: (PMID: 25525159, 21637106, 35543214, 24399159, 24922459)

Labcorp Genetics (formerly Invitae), Labcorp
Classification: Pathogenic for Ehlers-Danlos syndrome, type 4. Last evaluated: 2025-11-28. Review status: criteria provided, single submitter. Criteria: Invitae Variant Classification Sherloc (09022015). Collection method: clinical testing. Allele origin: germline.
Comment: This sequence change creates a premature translational stop signal (p.Arg1024*) in the COL3A1 gene. It is expected to result in an absent or disrupted protein product. Loss-of-function variants in COL3A1 are known to be pathogenic (PMID: 24922459). This variant is not present in population databases (gnomAD no frequency). This premature translational stop signal has been observed in individual(s) with clinical features of COL3A1-related conditions (PMID: 21637106). ClinVar contains an entry for this variant (Variation ID: 101174). For these reasons, this variant has been classified as Pathogenic.

Ambry Genetics
Classification: Pathogenic for Familial thoracic aortic aneurysm and aortic dissection. Last evaluated: 2022-10-14. Review status: criteria provided, single submitter. Criteria: Ambry Variant Classification Scheme 2023. Collection method: clinical testing. Allele origin: germline.
Comment: The p.R1024* pathogenic mutation (also known as c.3070C>T), located in coding exon 42 of the COL3A1 gene, results from a C to T substitution at nucleotide position 3070. This changes the amino acid from an arginine to a stop codon within coding exon 42. This alteration was reported in a family with vascular Ehlers-Danlos syndrome (Leistritz DF et al. Genet. Med., 2011 Aug;13:717-22). This variant is considered to be rare based on population cohorts in the Genome Aggregation Database (gnomAD). In addition to the clinical data presented in the literature, this alteration is expected to result in loss of function by premature protein truncation or nonsense-mediated mRNA decay. As such, this alteration is interpreted as a disease-causing mutation.

Institute of Medical Genetics and Applied Genomics, University Hospital Tübingen
Classification: Pathogenic. Last evaluated: 2020-10-23. Review status: criteria provided, single submitter. Criteria: ACMG Guidelines, 2015. Collection method: clinical testing. Allele origin: germline. Inheritance: Autosomal dominant inheritance. Affected: yes.

Collagen Diagnostic Laboratory, University of Washington
Classification: Pathogenic for Ehlers-Danlos syndrome, type 4. Review status: no assertion criteria provided. Collection method: clinical testing. Allele origin: germline. Affected: yes. Not counted in ClinVar's aggregate classification.

Literature cited by the submitters: PubMed 24922459 (cited by Labcorp Genetics (formerly Invitae), Labcorp and Ambry Genetics); PubMed 21637106 (cited by 3 submitters); PubMed 24399159 (cited by Ambry Genetics).